The following is an entry in ClinVar:

ClinVar aggregate classification (germline): Uncertain significance (1 of 4 stars; one submission).

Conditions:
Hereditary sensory and autonomic neuropathy type 6. Also called: HSAN VI; Neuropathy, hereditary sensory and autonomic, type VI. Identifiers: Orphanet 314381, MedGen C3539003, MONDO:0013839, OMIM 614653.
Epidermolysis bullosa simplex 3, localized or generalized intermediate, with BP230 deficiency (EBS3). Also called: Epidermolysis bullosa simplex due to BP230 deficiency; Epidermolysis bullosa simplex, autosomal recessive 2. Identifiers: Orphanet 412181, MedGen C3809470, MONDO:0014180, OMIM 615425.

Allele frequency attached by ClinVar (database versions not stated): gnomAD exomes below 0.00001; TOPMed 0.00001.
gnomAD v4.1: 5 of 1,585,718 alleles (0.00032%); highest among the groups gnomAD compares: Non-Finnish European, 0.00043%; no homozygotes.

Submission:

Labcorp Genetics (formerly Invitae), Labcorp
Classification: Uncertain significance for Epidermolysis bullosa simplex 3, localized or generalized intermediate, with BP230 deficiency; Hereditary sensory and autonomic neuropathy type 6. Last evaluated: 2023-01-26. Review status: criteria provided, single submitter. Criteria: Invitae Variant Classification Sherloc (09022015). Collection method: clinical testing. Allele origin: germline.
Comment: The frequency data for this variant in the population databases is considered unreliable, as metrics indicate poor data quality at this position in the gnomAD database. This sequence change replaces alanine, which is neutral and non-polar, with serine, which is neutral and polar, at codon 4768 of the DST protein (p.Ala4768Ser). The DST gene has multiple clinically relevant transcripts. This variant occurs in alternate transcript NM_015548.4, and corresponds to NM_001723.5:c.*144261G>T in the primary transcript. This variant has not been reported in the literature in individuals affected with DST-related conditions. In summary, the available evidence is currently insufficient to determine the role of this variant in disease. Therefore, it has been classified as a Variant of Uncertain Significance. Experimental studies and prediction algorithms are not available or were not evaluated, and the functional significance of this variant is currently unknown.

NM_001374736.1(DST):c.22171G>T (p.Ala7391Ser)

Gene: DST (dystonin; minus strand). Cytogenetic location: 6p12.1.
Variant type: single nucleotide variant.
Coding change: c.22171G>T on transcript NM_001374736.1 (MANE Select); coding-DNA position 22171, G replaced by T.
Protein change: p.Ala7391Ser; replaces alanine 7391 with serine.
Molecular consequence: missense variant.
Genome position (GRCh38, 1-based): chr6:56,471,256, C>A on the plus strand (G>T on the coding strand, the complement: DST is on the minus strand). VCF-style: chr6-56471256-C-A. GRCh37 (hg19) VCF-style: chr6-56336054-C-A.
Other names: c.15814G>T, p.Ala5272Ser (NM_001144769.5); c.15400G>T, p.Ala5134Ser (NM_001144770.2); c.22171G>T, p.Ala7391Ser (NM_001374722.1); c.21211G>T, p.Ala7071Ser (NM_001374729.1); c.14953G>T, p.Ala4985Ser (NM_001374730.1); c.22198G>T, p.Ala7400Ser (NM_001374734.1); c.15280G>T, p.Ala5094Ser (NM_001386100.1, NM_183380.4); c.14302G>T, p.Ala4768Ser (NM_015548.5); short protein forms A4768S, A4985S, A5094S, A5134S, A5272S, A7071S, A7391S, A7400S.
Identifiers: ClinVar variation 1063760 (VCV001063760.7), dbSNP rs772254325, ClinGen allele CA364507896.